The following is an entry in ClinVar:

ClinVar aggregate classification (germline): Uncertain significance (1 of 4 stars; one submission).

gnomAD v4.1: 15 of 1,613,794 alleles (0.00093%); highest among the groups gnomAD compares: Non-Finnish European, 0.0013%; no homozygotes.

Submission:

Mayo Clinic Laboratories, Mayo Clinic
Classification: Uncertain significance. Last evaluated: 2025-02-18. Review status: criteria provided, single submitter. Criteria: ACMG Guidelines, 2015. Collection method: clinical testing. Allele origin: germline. Observed: 1 variant allele.
Comment: PM2_supporting, PVS1_strong

NM_002732.4(PRKACG):c.720C>G (p.Tyr240Ter)

Gene: PRKACG (protein kinase cAMP-activated catalytic subunit gamma; minus strand). Cytogenetic location: 9q21.11.
Variant type: single nucleotide variant.
Coding change: c.720C>G on transcript NM_002732.4 (MANE Select); coding-DNA position 720, C replaced by G.
Protein change: p.Tyr240Ter; replaces tyrosine 240 with a stop codon.
Molecular consequence: nonsense.
Genome position (GRCh38, 1-based): chr9:69,013,373, G>C on the plus strand (C>G on the coding strand, the complement: PRKACG is on the minus strand). VCF-style: chr9-69013373-G-C. GRCh37 (hg19) VCF-style: chr9-71628289-G-C.
Other names: p.Tyr240*; short protein forms Y240*.
Identifiers: ClinVar variation 4541445 (VCV004541445.1).